The following is an entry in ClinVar:

NM_000052.7(ATP7A):c.778G>A (p.Val260Ile)

Gene: ATP7A (ATPase copper transporting alpha; plus strand). Cytogenetic location: Xq21.1.
Variant type: single nucleotide variant.
Coding change: c.778G>A on transcript NM_000052.7 (MANE Select); coding-DNA position 778, G replaced by A.
Protein change: p.Val260Ile; replaces valine 260 with isoleucine.
Molecular consequence: missense variant.
Genome position (GRCh38, 1-based): chrX:77,989,400, G>A. VCF-style: chrX-77989400-G-A. GRCh37 (hg19) VCF-style: chrX-77244896-G-A.
Other names: c.778G>A, p.Val260Ile (NM_001282224.2); short protein forms V260I.
Identifiers: ClinVar variation 3760586 (VCV003760586.2).
Genomic context (GRCh38, chrX:77,989,400, plus strand): 5'-AAGCAGCCCAAGTACCTCAAATTGGGAGCTATTGATGTAGAACGTCTAAAGAACACACCA[G>A]TTAAATCCTCAGAAGGGTCACAGCAAAGGAGTCCATCATATACCAATGATTCAACAGCCA-3'
Protein context (NP_000043.4, residues 250-270): IDVERLKNTP[Val260Ile]KSSEGSQQRS

ClinVar aggregate classification (germline): Uncertain significance (1 of 4 stars; one submission).

Conditions:
Menkes kinky-hair syndrome (MNK). Also called: Copper transport disease; Menkes Disease; Classic Menkes Disease. Identifiers: Orphanet 565, MedGen C0022716, MONDO:0010651, OMIM 309400.
X-linked distal spinal muscular atrophy type 3. Also called: ATP7A-Related Distal Motor Neuropathy; SPINAL MUSCULAR ATROPHY, DISTAL, X-LINKED RECESSIVE; NEURONOPATHY, DISTAL HEREDITARY MOTOR, X-LINKED; NEUROPATHY, DISTAL HEREDITARY MOTOR, X-LINKED. Identifiers: Orphanet 139557, MedGen C1845359, MONDO:0010338, OMIM 300489.
Cutis laxa, X-linked (OHS). Also called: EDS IX; Occipital horn syndrome. Identifiers: Orphanet 198, MedGen C0268353, MONDO:0010572, OMIM 304150.

Submission:

Labcorp Genetics (formerly Invitae), Labcorp
Classification: Uncertain significance for X-linked distal spinal muscular atrophy type 3; Cutis laxa, X-linked; Menkes kinky-hair syndrome. Last evaluated: 2024-03-14. Review status: criteria provided, single submitter. Criteria: Invitae Variant Classification Sherloc (09022015). Collection method: clinical testing. Allele origin: germline.
Comment: This sequence change replaces valine, which is neutral and non-polar, with isoleucine, which is neutral and non-polar, at codon 260 of the ATP7A protein (p.Val260Ile). This variant is not present in population databases (gnomAD no frequency). This variant has not been reported in the literature in individuals affected with ATP7A-related conditions. Advanced modeling of protein sequence and biophysical properties (such as structural, functional, and spatial information, amino acid conservation, physicochemical variation, residue mobility, and thermodynamic stability) performed at Invitae indicates that this missense variant is not expected to disrupt ATP7A protein function with a negative predictive value of 95%. In summary, the available evidence is currently insufficient to determine the role of this variant in disease. Therefore, it has been classified as a Variant of Uncertain Significance.